The following is an entry in ClinVar:

ClinVar aggregate classification (germline): Uncertain significance (1 of 4 stars; one submission).

Submission:

Labcorp Genetics (formerly Invitae), Labcorp
Classification: Uncertain significance. Last evaluated: 2022-11-23. Review status: criteria provided, single submitter. Criteria: Invitae Variant Classification Sherloc (09022015). Collection method: clinical testing. Allele origin: germline.
Comment: In summary, the available evidence is currently insufficient to determine the role of this variant in disease. Therefore, it has been classified as a Variant of Uncertain Significance. Advanced modeling of protein sequence and biophysical properties (such as structural, functional, and spatial information, amino acid conservation, physicochemical variation, residue mobility, and thermodynamic stability) performed at Invitae indicates that this missense variant is expected to disrupt CFB protein function. This variant has not been reported in the literature in individuals affected with CFB-related conditions. This variant is not present in population databases (gnomAD no frequency). This sequence change replaces cysteine, which is neutral and slightly polar, with tyrosine, which is neutral and polar, at codon 37 of the CFB protein (p.Cys37Tyr).

NM_001710.6(CFB):c.110G>A (p.Cys37Tyr)

Gene: CFB (complement factor B; plus strand). Cytogenetic location: 6p21.33.
Variant type: single nucleotide variant.
Coding change: c.110G>A on transcript NM_001710.6 (MANE Select); coding-DNA position 110, G replaced by A.
Protein change: p.Cys37Tyr; replaces cysteine 37 with tyrosine.
Molecular consequence: missense variant.
Genome position (GRCh38, 1-based): chr6:31,946,418, G>A. VCF-style: chr6-31946418-G-A. GRCh37 (hg19) VCF-style: chr6-31914195-G-A.
Other names: short protein forms C37Y.
Identifiers: ClinVar variation 2812266 (VCV002812266.3), dbSNP rs2482670249, ClinGen allele CA363388045.